The following is an entry in ClinVar:

ClinVar aggregate classification (germline): Benign/Likely benign. Review status: criteria provided, multiple submitters, no conflicts (2 of 4 stars). 7 submissions from 7 submitters: Benign (1); Likely benign (4). 2 of the submissions do not count toward it. Last evaluated 2026-01-26.

Conditions:
Cohen syndrome (COH1). Also called: Cutis verticis gyrata, retinitis pigmentosa, and sensorineural deafness; PEPPER SYNDROME. Identifiers: Orphanet 193, MedGen C0265223, MONDO:0008999, OMIM 216550.

Allele frequency attached by ClinVar (database versions not stated): gnomAD exomes 0.00013 and 0.00035; 1000 Genomes Project 30x 0.00016; 1000 Genomes Project 0.00020; ExAC 0.00097; gnomAD 0.00126 and 0.00135; TOPMed 0.00138; ESP Exome Variant Server 0.00169.
gnomAD v4.1: 387 of 1,583,744 alleles (0.024%); highest among the groups gnomAD compares: Middle Eastern, 0.56%; 4 homozygotes.

Submissions (7):

Labcorp Genetics (formerly Invitae), Labcorp
Classification: Benign for Cohen syndrome. Last evaluated: 2026-01-26. Review status: criteria provided, single submitter. Criteria: Invitae Variant Classification Sherloc (09022015). Collection method: clinical testing. Allele origin: germline.

Women's Health and Genetics/Laboratory Corporation of America, LabCorp
Classification: Likely benign. Last evaluated: 2026-01-23. Review status: criteria provided, single submitter. Criteria: LabCorp Variant Classification Summary - May 2015. Collection method: clinical testing. Allele origin: germline.

Blueprint Genetics
Classification: Likely benign. Last evaluated: 2024-11-13. Review status: criteria provided, single submitter. Criteria: ACMG Guidelines, 2015. Collection method: clinical testing. Allele origin: germline.

Illumina Laboratory Services, Illumina
Classification: Likely benign for Cohen syndrome. Last evaluated: 2018-01-12. Review status: criteria provided, single submitter. Criteria: ICSL Variant Classification Criteria 13 December 2019. Collection method: clinical testing. Allele origin: germline.
Comment: This variant was observed in the ICSL laboratory as part of a predisposition screen in an ostensibly healthy population. It had not been previously curated by ICSL or reported in the Human Gene Mutation Database (HGMD: prior to June 1st, 2018), and was therefore a candidate for classification through an automated scoring system. Utilizing variant allele frequency, disease prevalence and penetrance estimates, and inheritance mode, an automated score was calculated to assess if this variant is too frequent to cause the disease. Based on the score and internal cut-off values, a variant classified as likely benign is not then subjected to further curation. The score for this variant resulted in a classification of likely benign for this disease.

Breakthrough Genomics
Classification: Likely benign. Review status: criteria provided, single submitter. Criteria: ACMG Guidelines, 2015. Collection method: not provided. Allele origin: germline. Inheritance: Autosomal recessive inheritance. Affected: yes.

Clinical Genetics, Academic Medical Center
Classification: Likely benign. Review status: no assertion criteria provided. Collection method: clinical testing. Allele origin: germline. Affected: yes. Study: VKGL Data-share Consensus. Not counted in ClinVar's aggregate classification.

Genome Diagnostics Laboratory, University Medical Center Utrecht
Classification: Likely benign. Review status: no assertion criteria provided. Collection method: clinical testing. Allele origin: germline. Affected: yes. Study: VKGL Data-share Consensus. Not counted in ClinVar's aggregate classification.

NM_152564.5(VPS13B):c.2651-15A>C

Gene: VPS13B (vacuolar protein sorting 13 homolog B; plus strand). Cytogenetic location: 8q22.2.
Variant type: single nucleotide variant.
Coding change: c.2651-15A>C on transcript NM_152564.5 (MANE Select); 15 bases into the intron before coding-DNA position 2651, A replaced by C.
Molecular consequence: intron variant.
Genome position (GRCh38, 1-based): chr8:99,275,066, A>C. VCF-style: chr8-99275066-A-C. GRCh37 (hg19) VCF-style: chr8-100287294-A-C.
Other names: c.2651-15A>C (NM_017890.5).
Identifiers: ClinVar variation 911187 (VCV000911187.17), dbSNP rs370251406, ClinGen allele CA4822996.
Genomic context (GRCh38, chr8:99,275,066, plus strand): 5'-TATATTTTAAAATCAAACATTCTCAAGTGACTCATGTTTTATTTTTATTATTGTTTTATA[A>C]ATATTTCTTTTCAGTTGATAGTGGAAAAGAGAAGTTGATTCCCTTGCTTCAGGGTCCTTC-3'